The following is an entry in ClinVar:

ClinVar aggregate classification (germline): Uncertain significance (1 of 4 stars; one submission).

Submission:

Athena Diagnostics
Classification: Uncertain significance. Last evaluated: 2024-03-15. Review status: criteria provided, single submitter. Criteria: Athena Diagnostics Criteria. Collection method: clinical testing. Allele origin: unknown.
Comment: Available data are insufficient to determine the clinical significance of the variant at this time. This variant has not been reported in large, multi-ethnic general populations. Computational tools predict that this variant is not damaging.

NM_015046.7(SETX):c.4717G>T (p.Ala1573Ser)

Gene: SETX (senataxin; minus strand). Cytogenetic location: 9q34.13.
Variant type: single nucleotide variant.
Coding change: c.4717G>T on transcript NM_015046.7 (MANE Select); coding-DNA position 4717, G replaced by T.
Protein change: p.Ala1573Ser; replaces alanine 1573 with serine.
Molecular consequence: missense variant.
Genome position (GRCh38, 1-based): chr9:132,326,881, C>A on the plus strand (G>T on the coding strand, the complement: SETX is on the minus strand). VCF-style: chr9-132326881-C-A. GRCh37 (hg19) VCF-style: chr9-135202268-C-A.
Other names: c.4717G>T, p.Ala1573Ser (NM_001351527.2, NM_001351528.2); short protein forms A1573S.
Identifiers: ClinVar variation 3571777 (VCV003571777.1).